The following is an entry in ClinVar:

ClinVar aggregate classification (germline): Pathogenic (1 of 4 stars; one submission).

Conditions:
Cardiovascular phenotype. Identifiers: MedGen CN230736.
Hereditary cancer-predisposing syndrome. Also called: Tumor predisposition; Hereditary neoplastic syndrome; Hereditary Cancer Syndrome; Neoplastic Syndromes, Hereditary. Identifiers: Orphanet 140162, MedGen C0027672, MeSH D009386, MONDO:0015356.

Submission:

Ambry Genetics
Classification: Pathogenic for Cardiovascular phenotype; Hereditary cancer-predisposing syndrome. Last evaluated: 2025-06-11. Review status: criteria provided, single submitter. Criteria: Ambry Variant Classification Scheme 2023. Collection method: clinical testing. Allele origin: germline.
Comment: The c.65_71delCCAAGGT pathogenic mutation, located in coding exon 1 of the LZTR1 gene, results from a deletion of 7 nucleotides at nucleotide positions 65 to 71, causing a translational frameshift with a predicted alternate stop codon (p.S22*). This variant is considered to be rare based on population cohorts in the Genome Aggregation Database (gnomAD). This alteration is expected to result in loss of function by premature protein truncation or nonsense-mediated mRNA decay. Loss-of-function variants in LZTR1 are related to an increased risk for schwannomas and autosomal recessive Noonan syndrome; however, such associations with autosomal dominant Noonan syndrome have not been observed (Piotrowski A et al. Nat Genet. 2014 Feb;46:182-7; Yamamoto GL et al. J Med Genet. 2015 Jun;52:413-21; Johnston JJ et al. Genet Med. 2018 10;20:1175-1185). Based on the supporting evidence, this variant is pathogenic for an increased risk of LZTR1-related schwannomatosis (SWN) and would be expected to cause autosomal recessive Noonan syndrome when present along with a second pathogenic or likely pathogenic variant on the other allele; however, the association of this alteration with autosomal dominant Noonan syndrome is unlikely.

NM_006767.4(LZTR1):c.65_71del (p.Arg21_Ser22insTer)

Genes: LZTR1 (leucine zipper like post translational regulator 1; plus strand), LOC130067016 (ATAC-STARR-seq lymphoblastoid silent region 13504; plus strand). Cytogenetic location: 22q11.21.
Variant type: Deletion.
Coding change: c.65_71del on transcript NM_006767.4 (MANE Select); coding-DNA positions 65 to 71, 7 bases deleted (CCAAGGT; older notation c.65_71delCCAAGGT).
Protein change: p.Arg21_Ser22insTer.
Molecular consequence: nonsense.
Genome position (GRCh38, 1-based): chr22:20,982,436-20,982,442, CCAAGGT deleted; deleting any 7 consecutive bases within chr22:20,982,433-20,982,442 gives the same sequence; the c. name uses the placement nearest the transcript's 3' end. VCF-style (leftmost placement, unchanged base first): chr22-20982432-CGGTCCAA-C. GRCh37 (hg19) VCF-style: chr22-21336721-CGGTCCAA-C.
Identifiers: ClinVar variation 3964840 (VCV003964840.1).
Genomic context (GRCh38, chr22:20,982,432, plus strand): 5'-ATGGCTGGACCGGGCAGCACGGGGGGGCAGATCGGGGCTGCGGCCCTGGCAGGCGGCGCG[CGGTCCAA>C]GGTAGCCCCGAGCGTGGACTTCGACCATAGCTGCTCGGACAGTGTCGAGTACCTGACGCT-3'